The following is an entry in ClinVar:

NM_001110556.2(FLNA):c.200T>A (p.Leu67Gln)

Gene: FLNA (filamin A; minus strand). Cytogenetic location: Xq28.
Variant type: single nucleotide variant.
Coding change: c.200T>A on transcript NM_001110556.2 (MANE Select); coding-DNA position 200, T replaced by A.
Protein change: p.Leu67Gln; replaces leucine 67 with glutamine.
Molecular consequence: missense variant.
Genome position (GRCh38, 1-based): chrX:154,371,046, A>T on the plus strand (T>A on the coding strand, the complement: FLNA is on the minus strand). VCF-style: chrX-154371046-A-T. GRCh37 (hg19) VCF-style: chrX-153599414-A-T.
Other names: c.200T>A, p.Leu67Gln (NM_001456.4); short protein forms L67Q.
Identifiers: ClinVar variation 3754019 (VCV003754019.2).

ClinVar aggregate classification (germline): Uncertain significance (1 of 4 stars; one submission).

Conditions:
Melnick-Needles syndrome (MNS). Also called: MELNICK-NEEDLES OSTEODYSPLASTY; OSTEODYSPLASTY OF MELNICK AND NEEDLES; Melnick-Needles Syndrome (FLNA-MNS). Identifiers: Orphanet 2484, MedGen C0025237, MONDO:0010650, OMIM 309350.
Frontometaphyseal dysplasia (FMD1). Identifiers: Orphanet 1826, MedGen C0265293, MONDO:0015942.
Heterotopia, periventricular, X-linked dominant (PVNH1). Also called: PERIVENTRICULAR NODULAR HETEROTOPIA 1; X-linked periventricular heterotopia; PERIVENTRICULAR NODULAR HETEROTOPIA 4; HETEROTOPIA, PERIVENTRICULAR, 1. Identifiers: Orphanet 2149, Orphanet 82004, MedGen C1848213, MONDO:0010233, OMIM 300049.
Oto-palato-digital syndrome, type II (OPD2). Also called: FACIOPALATOOSSEOUS SYNDROME; OPD II SYNDROME; Otopalatodigital Syndrome, Type II; Otopalatodigital Syndrome Type 2 (FLNA-OPD2). Identifiers: Orphanet 669, Orphanet 90652, MedGen C1844696, MONDO:0010571, OMIM 304120.

Submission:

Labcorp Genetics (formerly Invitae), Labcorp
Classification: Uncertain significance for Oto-palato-digital syndrome, type II; Heterotopia, periventricular, X-linked dominant; Frontometaphyseal dysplasia; Melnick-Needles syndrome. Last evaluated: 2024-03-16. Review status: criteria provided, single submitter. Criteria: Invitae Variant Classification Sherloc (09022015). Collection method: clinical testing. Allele origin: germline.
Comment: This sequence change replaces leucine, which is neutral and non-polar, with glutamine, which is neutral and polar, at codon 67 of the FLNA protein (p.Leu67Gln). This variant is not present in population databases (gnomAD no frequency). This variant has not been reported in the literature in individuals affected with FLNA-related conditions. Advanced modeling of protein sequence and biophysical properties (such as structural, functional, and spatial information, amino acid conservation, physicochemical variation, residue mobility, and thermodynamic stability) performed at Invitae indicates that this missense variant is expected to disrupt FLNA protein function with a positive predictive value of 80%. In summary, the available evidence is currently insufficient to determine the role of this variant in disease. Therefore, it has been classified as a Variant of Uncertain Significance.